The following is an entry in ClinVar:

NM_001267550.2(TTN):c.22002del (p.Ala7335fs)

Gene: TTN (titin; minus strand). Cytogenetic location: 2q31.2.
Variant type: Deletion.
Coding change: c.22002del on transcript NM_001267550.2 (MANE Select); coding-DNA position 22002, one base deleted (A; older notation c.22002delA).
Protein change: p.Ala7335fs; shifts the reading frame from alanine 7335.
Molecular consequence: frameshift variant. On other transcripts: intron variant (3).
Genome position (GRCh38, 1-based): chr2:178,722,897, T deleted on the plus strand (A on the coding strand, the reverse complement: TTN is on the minus strand). VCF-style (leftmost placement, unchanged base first): chr2-178722896-CT-C. GRCh37 (hg19) VCF-style: chr2-179587623-CT-C.
Other names: c.21051del, p.Ala7018fs (NM_001256850.1); c.18270del, p.Ala6091fs (NM_133378.4); c.13282+15185del (NM_003319.4); c.13858+15185del (NM_133437.4); c.13657+15185del (NM_133432.3); short protein forms A6091fs, A7018fs, A7335fs.
Identifiers: ClinVar variation 4886270 (VCV004886270.2).

ClinVar aggregate classification (germline): Uncertain significance (1 of 4 stars; one submission).

Submission:

Dasa
Classification: Uncertain significance. Last evaluated: 2026-03-31. Review status: criteria provided, single submitter. Criteria: DASA Assertion Criteria. Collection method: clinical testing. Allele origin: germline.
Comment: NM_001267550.2(TTN):c.22002del (p.Ala7335Glnfs*51) is a frameshift variant in TTN predicted to alter the reading frame and introduce a premature termination codon and is predicted to result in an absent or altered protein product. This variant is rare in population databases. The currently available literature and clinical evidence are not sufficient to establish a definitive association between this variant and the reported condition. Therefore, this variant is classified as a variant of uncertain significance.